The following is an entry in ClinVar:

NM_133625.6(SYN2):c.383A>G (p.Lys128Arg)

Gene: SYN2 (synapsin II; plus strand). Cytogenetic location: 3p25.2.
Variant type: single nucleotide variant.
Coding change: c.383A>G on transcript NM_133625.6 (MANE Select); coding-DNA position 383, A replaced by G.
Protein change: p.Lys128Arg; replaces lysine 128 with arginine.
Molecular consequence: missense variant.
Genome position (GRCh38, 1-based): chr3:12,140,656, A>G. VCF-style: chr3-12140656-A-G. GRCh37 (hg19) VCF-style: chr3-12182156-A-G.
Other names: c.383A>G, p.Lys128Arg (NM_003178.6); short protein forms K128R.
Identifiers: ClinVar variation 3038848 (VCV003038848.2), dbSNP rs544852588, ClinGen allele CA2257277.

ClinVar aggregate classification (germline): Benign (0 of 4 stars; one submission).

Conditions:
SYN2-related disorder. Also called: SYN2-related condition.

Allele frequency attached by ClinVar (database versions not stated): TOPMed 0.00019; gnomAD 0.00084; gnomAD exomes 0.00271; 1000 Genomes Project 30x 0.00578; 1000 Genomes Project 0.00579; ExAC 0.00659.
gnomAD v4.1: 1,716 of 761,966 alleles (0.23%); highest among the groups gnomAD compares: South Asian, 2.4%; 32 homozygotes.

Submission:

PreventionGenetics, part of Exact Sciences
Classification: Benign for SYN2-related condition. Last evaluated: 2019-05-24. Review status: no assertion criteria provided. Collection method: clinical testing. Allele origin: germline.
Comment: This variant is classified as benign based on ACMG/AMP sequence variant interpretation guidelines (Richards et al. 2015 PMID: 25741868, with internal and published modifications).